The following is an entry in ClinVar:

ClinVar aggregate classification (germline): Likely pathogenic (1 of 4 stars; one submission).

Conditions:
Mitochondrial DNA depletion syndrome 13. Also called: FBXL4-Related Encephalomyopathic Mitochondrial DNA Depletion Syndrome; Mitochondrial DNA depletion syndrome 13 (encephalomyopathic type). Identifiers: Orphanet 369897, MedGen C3809592, MONDO:0014198, OMIM 615471.

Allele frequency attached by ClinVar (database versions not stated): gnomAD exomes below 0.00001; ExAC 0.00001.
gnomAD v4.1: 1 of 1,613,972 alleles (0.000062%); highest among the groups gnomAD compares: South Asian, 0.0011%; no homozygotes.

Submission:

Wong Mito Lab, Molecular and Human Genetics, Baylor College of Medicine
Classification: Likely pathogenic for Mitochondrial DNA depletion syndrome 13. Last evaluated: 2017-08-10. Review status: criteria provided, single submitter. Criteria: ACMG Guidelines, 2015. Collection method: reference population. Allele origin: germline.
Comment: The NM_012160.4:c.1360C>T (NP_036292.2:p.Gln454Ter) [GRCH38: NC_000006.12:g.98880582G>A] variant in FBXL4 gene is interpretated to be a Likely Pathogenic based on ACMG guidelines (PMID: 25741868). This variant meets one or more of the following evidence codes reported in the ACMG-guideline. PVS1:This variant is a predcted null variant in FBXL4 where loss of function is a known mechanism of disease. PM2:This variant is absent in key population databases. Based on this evidence code ClinGen Pathogenicity Calculator (PMID:28081714) suggested that the variant is Likely Pathogenic.

NM_001278716.2(FBXL4):c.1360C>T (p.Gln454Ter)

Gene: FBXL4 (F-box and leucine rich repeat protein 4; minus strand). Cytogenetic location: 6q16.1.
Variant type: single nucleotide variant.
Coding change: c.1360C>T on transcript NM_001278716.2 (MANE Select); coding-DNA position 1360, C replaced by T.
Protein change: p.Gln454Ter; replaces glutamine 454 with a stop codon.
Molecular consequence: nonsense. On other transcripts: non-coding transcript variant (1).
Genome position (GRCh38, 1-based): chr6:98,880,582, G>A on the plus strand (C>T on the coding strand, the complement: FBXL4 is on the minus strand). VCF-style: chr6-98880582-G-A. GRCh37 (hg19) VCF-style: chr6-99328458-G-A.
Other names: c.1360C>T, p.Gln454Ter (NM_012160.5); short protein forms Q454*.
Identifiers: ClinVar variation 437741 (VCV000437741.1), dbSNP rs750973870, ClinGen allele CA3933466.